The following is an entry in ClinVar:

ClinVar aggregate classification (germline): Uncertain significance. Review status: criteria provided, multiple submitters, no conflicts (2 of 4 stars). 2 submissions from 2 submitters: Uncertain significance (2). Last evaluated 2025-08-08.

Allele frequency attached by ClinVar (database versions not stated): ExAC 0.00002; gnomAD 0.00002; gnomAD exomes 0.00002; TOPMed 0.00002.
gnomAD v4.1: 35 of 1,613,940 alleles (0.0022%); highest among the groups gnomAD compares: Admixed American, 0.0033%; no homozygotes.

Submissions (2):

Ambry Genetics
Classification: Uncertain significance. Last evaluated: 2025-08-08. Review status: criteria provided, single submitter. Criteria: Ambry Variant Classification Scheme 2023. Collection method: clinical testing. Allele origin: germline.

Labcorp Genetics (formerly Invitae), Labcorp
Classification: Uncertain significance. Last evaluated: 2022-08-16. Review status: criteria provided, single submitter. Criteria: Invitae Variant Classification Sherloc (09022015). Collection method: clinical testing. Allele origin: germline.
Comment: This variant has not been reported in the literature in individuals affected with DSCAML1-related conditions. Algorithms developed to predict the effect of missense changes on protein structure and function (SIFT, PolyPhen-2, Align-GVGD) all suggest that this variant is likely to be tolerated. This variant is present in population databases (rs764497608, gnomAD 0.003%). This sequence change replaces arginine, which is basic and polar, with glutamine, which is neutral and polar, at codon 1215 of the DSCAML1 protein (p.Arg1215Gln). In summary, the available evidence is currently insufficient to determine the role of this variant in disease. Therefore, it has been classified as a Variant of Uncertain Significance.

NM_020693.4(DSCAML1):c.3464G>A (p.Arg1155Gln)

Gene: DSCAML1 (DS cell adhesion molecule like 1; minus strand). Cytogenetic location: 11q23.3.
Variant type: single nucleotide variant.
Coding change: c.3464G>A on transcript NM_020693.4 (MANE Select); coding-DNA position 3464, G replaced by A.
Protein change: p.Arg1155Gln; replaces arginine 1155 with glutamine.
Molecular consequence: missense variant.
Genome position (GRCh38, 1-based): chr11:117,458,858, C>T on the plus strand (G>A on the coding strand, the complement: DSCAML1 is on the minus strand). VCF-style: chr11-117458858-C-T. GRCh37 (hg19) VCF-style: chr11-117329574-C-T.
Other names: c.3644G>A (NM_020693.2); short protein forms R1155Q.
Identifiers: ClinVar variation 1979741 (VCV001979741.5), dbSNP rs764497608, ClinGen allele CA6296675.